The following is an entry in ClinVar:

NM_003664.5(AP3B1):c.2132A>T (p.Asp711Val)

Gene: AP3B1 (adaptor related protein complex 3 subunit beta 1; minus strand). Cytogenetic location: 5q14.1.
Variant type: single nucleotide variant.
Coding change: c.2132A>T on transcript NM_003664.5 (MANE Select); coding-DNA position 2132, A replaced by T.
Protein change: p.Asp711Val; replaces aspartic acid 711 with valine.
Molecular consequence: missense variant.
Genome position (GRCh38, 1-based): chr5:78,113,869, T>A on the plus strand (A>T on the coding strand, the complement: AP3B1 is on the minus strand). VCF-style: chr5-78113869-T-A. GRCh37 (hg19) VCF-style: chr5-77409693-T-A.
Other names: c.2132A>T (NM_003664.3); c.1985A>T, p.Asp662Val (NM_001271769.2); short protein forms D662V, D711V.
Identifiers: ClinVar variation 1010601 (VCV001010601.7), dbSNP rs145162631, ClinGen allele CA3316839.

ClinVar aggregate classification (germline): Uncertain significance. Review status: criteria provided, multiple submitters, no conflicts (2 of 4 stars). 2 submissions from 2 submitters: Uncertain significance (2). Last evaluated 2024-02-13.

Conditions:
Inborn genetic diseases. Identifiers: MedGen C0950123, MeSH D030342.
Hermansky-Pudlak syndrome 2 (HPS2). Also called: Platelet defects and oculocutaneous albinism. Identifiers: Orphanet 183678, Orphanet 79430, MedGen C1842362, MONDO:0011997, OMIM 608233.

Allele frequency attached by ClinVar (database versions not stated): gnomAD exomes below 0.00001 and 0.00004; gnomAD 0.00001; TOPMed 0.00001; ExAC 0.00005; 1000 Genomes Project 30x 0.00016; 1000 Genomes Project 0.00020.
gnomAD v4.1: 9 of 1,614,194 alleles (0.00056%); highest among the groups gnomAD compares: East Asian, 0.018%; no homozygotes.

Submissions (2):

Ambry Genetics
Classification: Uncertain significance for Inborn genetic diseases. Last evaluated: 2024-02-13. Review status: criteria provided, single submitter. Criteria: Ambry Variant Classification Scheme 2023. Collection method: clinical testing. Allele origin: germline.

Labcorp Genetics (formerly Invitae), Labcorp
Classification: Uncertain significance for Hermansky-Pudlak syndrome 2. Last evaluated: 2021-09-02. Review status: criteria provided, single submitter. Criteria: Invitae Variant Classification Sherloc (09022015). Collection method: clinical testing. Allele origin: germline.
Comment: This sequence change replaces aspartic acid with valine at codon 711 of the AP3B1 protein (p.Asp711Val). The aspartic acid residue is weakly conserved and there is a large physicochemical difference between aspartic acid and valine. This variant is present in population databases (rs145162631, ExAC 0.07%). This variant has not been reported in the literature in individuals affected with AP3B1-related conditions. Algorithms developed to predict the effect of missense changes on protein structure and function are either unavailable or do not agree on the potential impact of this missense change (SIFT: "Tolerated"; PolyPhen-2: "Possibly Damaging"; Align-GVGD: "Class C0"). In summary, the available evidence is currently insufficient to determine the role of this variant in disease. Therefore, it has been classified as a Variant of Uncertain Significance.